The following is an entry in ClinVar:

ClinVar aggregate classification (germline): Uncertain significance. Review status: criteria provided, multiple submitters, no conflicts (2 of 4 stars). 2 submissions from 2 submitters: Uncertain significance (2). Last evaluated 2024-10-17.

Allele frequency attached by ClinVar (database versions not stated): gnomAD exomes below 0.00001 and 0.00001; TOPMed below 0.00001; ExAC 0.00001; gnomAD 0.00001; 1000 Genomes Project 0.00040; 1000 Genomes Project 30x 0.00062.

Submissions (2):

Blueprint Genetics
Classification: Uncertain significance. Last evaluated: 2024-10-17. Review status: criteria provided, single submitter. Criteria: ACMG Guidelines, 2015. Collection method: clinical testing. Allele origin: germline.

Labcorp Genetics (formerly Invitae), Labcorp
Classification: Uncertain significance. Last evaluated: 2024-02-23. Review status: criteria provided, single submitter. Criteria: Invitae Variant Classification Sherloc (09022015). Collection method: clinical testing. Allele origin: germline.
Comment: This sequence change replaces proline, which is neutral and non-polar, with serine, which is neutral and polar, at codon 68 of the CWC27 protein (p.Pro68Ser). This variant is present in population databases (rs532275928, gnomAD 0.006%). This variant has not been reported in the literature in individuals affected with CWC27-related conditions. ClinVar contains an entry for this variant (Variation ID: 1016448). An algorithm developed to predict the effect of missense changes on protein structure and function (PolyPhen-2) suggests that this variant is likely to be disruptive. In summary, the available evidence is currently insufficient to determine the role of this variant in disease. Therefore, it has been classified as a Variant of Uncertain Significance.

NM_005869.4(CWC27):c.202C>T (p.Pro68Ser)

Gene: CWC27 (CWC27 spliceosome associated cyclophilin; plus strand). Cytogenetic location: 5q12.3.
Variant type: single nucleotide variant.
Coding change: c.202C>T on transcript NM_005869.4 (MANE Select); coding-DNA position 202, C replaced by T.
Protein change: p.Pro68Ser; replaces proline 68 with serine.
Molecular consequence: missense variant.
Genome position (GRCh38, 1-based): chr5:64,781,983, C>T. VCF-style: chr5-64781983-C-T. GRCh37 (hg19) VCF-style: chr5-64077810-C-T.
Other names: c.202C>T, p.Pro68Ser (NM_001297644.1, NM_001297645.2, NM_001318000.2 and 1 more transcripts); short protein forms P68S.
Identifiers: ClinVar variation 1016448 (VCV001016448.9), dbSNP rs532275928, ClinGen allele CA3281874.